The following is an entry in ClinVar:

NM_000090.4(COL3A1):c.3204CCCTGCTGG[3] (p.1069PAG[3])

Gene: COL3A1 (collagen type III alpha 1 chain; plus strand). Cytogenetic location: 2q32.2.
Variant type: Microsatellite.
Coding change: c.3204CCCTGCTGG[3] on transcript NM_000090.4 (MANE Select); three copies in a row of the 9-base unit CCCTGCTGG starting at c.3204; the reference has two copies in a row; one copy, 9 bases duplicated.
Protein change: p.1069PAG[3].
Molecular consequence: inframe insertion.
Genome position (GRCh38, 1-based): chr2:189,006,948-189,006,956, CCCTGCTGG duplicated; duplicating any 9 consecutive bases within chr2:189,006,937-189,006,956 gives the same sequence; the position shown is the placement nearest the transcript's 3' end. VCF-style (leftmost placement, unchanged base first): chr2-189006936-G-GGGCCCTGCT. GRCh37 (hg19) VCF-style: chr2-189871662-G-GGGCCCTGCT.
Identifiers: ClinVar variation 504045 (VCV000504045.6), dbSNP rs771791598, ClinGen allele CA2021756.
Genomic context (GRCh38, chr2:189,006,936, plus strand): 5'-TTGTGTCAACACATAAAACTAGTTCCGTGTATGTCTTCTCAATTGAATGTTTTCATCTTA[G>GGGCCCTGCT]GGCCCTGCTGGCCCTGCTGGTGCTCCCGGTCCTGCTGGTTCCCGAGGTGCTCCTGTAAGT-3'

ClinVar aggregate classification (germline): Uncertain significance. Review status: criteria provided, multiple submitters, no conflicts (2 of 4 stars). 2 submissions from 2 submitters: Uncertain significance (2). Last evaluated 2025-12-01.

Conditions:
Ehlers-Danlos syndrome, type 4 (EDSVASC). Also called: Ehlers-Danlos syndrome vascular type; Ehlers Danlos syndrome, ecchymotic type; Ehlers Danlos syndrome, arterial type; Ehlers Danlos syndrome, Sack-Barabas type; Ehlers-Danlos Syndrome Type IV. Identifiers: Orphanet 286, MedGen C0268338, MONDO:0017314, OMIM 130050.

Submissions (2):

Labcorp Genetics (formerly Invitae), Labcorp
Classification: Uncertain significance for Ehlers-Danlos syndrome, type 4. Last evaluated: 2025-12-01. Review status: criteria provided, single submitter. Criteria: Invitae Variant Classification Sherloc (09022015). Collection method: clinical testing. Allele origin: germline.
Comment: This variant, c.3213_3221dup, results in the insertion of 3 amino acid(s) of the COL3A1 protein (p.Pro1072_Gly1074dup), but otherwise preserves the integrity of the reading frame. This variant is present in population databases (rs771791598, gnomAD 0.0009%). This variant has not been reported in the literature in individuals affected with COL3A1-related conditions. Algorithms developed to predict the effect of sequence changes on RNA splicing suggest that this variant may disrupt the consensus splice site. In summary, the available evidence is currently insufficient to determine the role of this variant in disease. Therefore, it has been classified as a Variant of Uncertain Significance.

GeneDx
Classification: Uncertain significance. Last evaluated: 2018-01-17. Review status: criteria provided, single submitter. Criteria: GeneDx Variant Classification (06012015). Collection method: clinical testing. Allele origin: germline. Affected: yes.
Comment: A variant of uncertain significance has been identified in the COL3A1 gene. The c.3213_3221dupCCCTGCTGG variant has not been published as pathogenic or been reported as benign to our knowledge. This variant results in a in-frame duplication of three amino acid residues occuring within a Gly-X-Y motif in the triple helical region of the COL3A1 gene, beginning at codon proline 1072 and ending at codon glycine 1074. Other in-frame duplications in the COL3A1 gene have been reported in Human Gene Mutation Database in association with vEDS (Stenson et al., 2014). Furthermore, the c.3213_3221dupCCCTGCTGG variant has not been observed in large population cohorts (Lek et al., 2016). Nevertheless, this variant lacks observation in a significant number of affected individuals, segregation data, and functional evidence, which would further clarify its pathogenicity.